The following is an entry in ClinVar:

ClinVar aggregate classification (germline): Uncertain significance (1 of 4 stars; one submission).

Conditions:
RALGAPA1-related disorder. Also called: RALGAPA1-related condition.

Allele frequency attached by ClinVar (database versions not stated): TOPMed 0.00001.

Submission:

PreventionGenetics, part of Exact Sciences
Classification: Uncertain significance for RALGAPA1-related condition. Last evaluated: 2023-03-27. Review status: criteria provided, single submitter. Criteria: ACMG Guidelines, 2015. Collection method: clinical testing. Allele origin: germline.
Comment: The RALGAPA1 c.2711G>T variant is predicted to result in the amino acid substitution p.Gly904Val. To our knowledge, this variant has not been reported in the literature or in a large population database, indicating this variant is rare. At this time, the clinical significance of this variant is uncertain due to the absence of conclusive functional and genetic evidence.

NM_001346249.2(RALGAPA1):c.2711G>T (p.Gly904Val)

Gene: RALGAPA1 (Ral GTPase activating protein catalytic subunit alpha 1; minus strand). Cytogenetic location: 14q13.2.
Variant type: single nucleotide variant.
Coding change: c.2711G>T on transcript NM_001346249.2 (MANE Select); coding-DNA position 2711, G replaced by T.
Protein change: p.Gly904Val; replaces glycine 904 with valine.
Molecular consequence: missense variant. On other transcripts: intron variant (8).
Genome position (GRCh38, 1-based): chr14:35,689,700, C>A on the plus strand (G>T on the coding strand, the complement: RALGAPA1 is on the minus strand). VCF-style: chr14-35689700-C-A. GRCh37 (hg19) VCF-style: chr14-36158906-C-A.
Other names: c.2570G>T, p.Gly857Val (NM_001330075.3, NM_001346248.2); c.2434+136G>T (NM_194301.4, NM_001346246.2, NM_014990.3 and 2 more transcripts); c.2575+136G>T (NM_001346247.2, NM_001283044.3, NM_001346245.2); short protein forms G857V, G904V.
Identifiers: ClinVar variation 2636195 (VCV002636195.1), dbSNP rs1290219388, ClinGen allele CA705363566.